The following is an entry in ClinVar:

NM_002691.4(POLD1):c.80A>G (p.Asp27Gly)

Gene: POLD1 (DNA polymerase delta 1, catalytic subunit; plus strand). Cytogenetic location: 19q13.33.
Variant type: single nucleotide variant.
Coding change: c.80A>G on transcript NM_002691.4 (MANE Select); coding-DNA position 80, A replaced by G.
Protein change: p.Asp27Gly; replaces aspartic acid 27 with glycine.
Molecular consequence: missense variant. On other transcripts: non-coding transcript variant (1).
Genome position (GRCh38, 1-based): chr19:50,398,931, A>G. VCF-style: chr19-50398931-A-G. GRCh37 (hg19) VCF-style: chr19-50902188-A-G.
Other names: c.80A>G, p.Asp27Gly (NM_001256849.1, NM_001308632.1); c.80A>G (NM_002691.2); short protein forms D27G.
Identifiers: ClinVar variation 1305724 (VCV001305724.6), dbSNP rs150066950, ClinGen allele CA9595610.

ClinVar aggregate classification (germline): Conflicting classifications of pathogenicity. Review status: criteria provided, conflicting classifications (1 of 4 stars). 3 submissions from 3 submitters: Uncertain significance (2); Likely benign (1). Last evaluated 2025-07-02.

Conditions:
POLD1-related polyposis and colorectal cancer syndrome (CRCS10). Also called: Colorectal cancer, susceptibility to, 10; Colorectal cancer 10; COLORECTAL CANCER, SUSCEPTIBILITY TO, ON CHROMOSOME 19q. Identifiers: Orphanet 220460, MedGen C2675481, MONDO:0012953, OMIM 612591.
Hereditary cancer-predisposing syndrome. Also called: Tumor predisposition; Hereditary Cancer Syndrome; Hereditary neoplastic syndrome; Neoplastic Syndromes, Hereditary. Identifiers: Orphanet 140162, MedGen C0027672, MeSH D009386, MONDO:0015356.

gnomAD v4.1: 2 of 1,595,496 alleles (0.00013%); highest among the groups gnomAD compares: Non-Finnish European, 0.00017%; no homozygotes.

Submissions (3):

Ambry Genetics
Classification: Likely benign for Hereditary cancer-predisposing syndrome. Last evaluated: 2025-07-02. Review status: criteria provided, single submitter. Criteria: Ambry Variant Classification Scheme 2023. Collection method: clinical testing. Allele origin: germline.

Labcorp Genetics (formerly Invitae), Labcorp
Classification: Uncertain significance for POLD1-related polyposis and colorectal cancer syndrome. Last evaluated: 2024-12-24. Review status: criteria provided, single submitter. Criteria: Invitae Variant Classification Sherloc (09022015). Collection method: clinical testing. Allele origin: germline.
Comment: This sequence change replaces aspartic acid, which is acidic and polar, with glycine, which is neutral and non-polar, at codon 27 of the POLD1 protein (p.Asp27Gly). The frequency data for this variant in the population databases is considered unreliable, as metrics indicate poor data quality at this position in the gnomAD database. This variant has not been reported in the literature in individuals affected with POLD1-related conditions. ClinVar contains an entry for this variant (Variation ID: 1305724). An algorithm developed to predict the effect of missense changes on protein structure and function (PolyPhen-2) suggests that this variant is likely to be tolerated. In summary, the available evidence is currently insufficient to determine the role of this variant in disease. Therefore, it has been classified as a Variant of Uncertain Significance.

GeneDx
Classification: Uncertain significance. Last evaluated: 2019-05-02. Review status: criteria provided, single submitter. Criteria: GeneDx Variant Classification Process June 2021. Collection method: clinical testing. Allele origin: germline. Affected: yes.
Comment: Not observed at a significant frequency in large population cohorts (Lek et al., 2016); Has not been previously published as pathogenic or benign to our knowledge; This variant is associated with the following publications: (PMID: 29056344)